The following is an entry in ClinVar:

ClinVar aggregate classification (germline): Uncertain significance (1 of 4 stars; one submission).

Submission:

Labcorp Genetics (formerly Invitae), Labcorp
Classification: Uncertain significance. Last evaluated: 2024-12-23. Review status: criteria provided, single submitter. Criteria: Invitae Variant Classification Sherloc (09022015). Collection method: clinical testing. Allele origin: germline.
Comment: This sequence change creates a premature translational stop signal (p.Thr1657Glyfs*97) in the NYNRIN gene. While this is not anticipated to result in nonsense mediated decay, it is expected to disrupt the last 242 amino acid(s) of the NYNRIN protein. This variant is not present in population databases (gnomAD no frequency). This variant has not been reported in the literature in individuals affected with NYNRIN-related conditions. Experimental studies and prediction algorithms are not available or were not evaluated, and the functional significance of this variant is currently unknown. In summary, the available evidence is currently insufficient to determine the role of this variant in disease. Therefore, it has been classified as a Variant of Uncertain Significance.

NM_025081.3(NYNRIN):c.4969_4970del (p.Thr1657fs)

Gene: NYNRIN (NYN domain and retroviral integrase containing; plus strand). Cytogenetic location: 14q12.
Variant type: Microsatellite.
Coding change: c.4969_4970del on transcript NM_025081.3 (MANE Select); coding-DNA positions 4969 to 4970, 2 bases deleted (AC; older notation c.4969_4970delAC).
Protein change: p.Thr1657fs; shifts the reading frame from threonine 1657.
Molecular consequence: frameshift variant.
Genome position (GRCh38, 1-based): chr14:24,416,718-24,416,719, AC deleted; deleting any 2 consecutive bases within chr14:24,416,710-24,416,719 gives the same sequence; the c. name uses the placement nearest the transcript's 3' end. VCF-style (leftmost placement, unchanged base first): chr14-24416709-TAC-T. GRCh37 (hg19) VCF-style: chr14-24885915-TAC-T.
Other names: short protein forms T1657fs.
Identifiers: ClinVar variation 3727844 (VCV003727844.2).